The following is an entry in ClinVar:

ClinVar aggregate classification (germline): Uncertain significance (1 of 4 stars; one submission).

Submission:

GeneDx
Classification: Uncertain significance. Last evaluated: 2024-11-20. Review status: criteria provided, single submitter. Criteria: GeneDx Variant Classification Process June 2021. Collection method: clinical testing. Allele origin: germline. Affected: yes.
Comment: In-frame deletion of 1 amino acid in a non-repeat region; In silico analysis supports a deleterious effect on protein structure/function; Has not been previously published as pathogenic or benign to our knowledge

NM_002025.4(AFF2):c.2599AAG[1] (p.Lys868del)

Gene: AFF2 (ALF transcription elongation factor 2; plus strand). Cytogenetic location: Xq28.
Variant type: Microsatellite.
Coding change: c.2599AAG[1] on transcript NM_002025.4 (MANE Select); one copy of the 3-base unit AAG starting at c.2599; the reference has two copies in a row; one copy, 3 bases deleted.
Protein change: p.Lys868del; deletes lysine 868.
Genome position (GRCh38, 1-based): chrX:148,958,370-148,958,372, AAG deleted; deleting any 3 consecutive bases within chrX:148,958,365-148,958,372 gives the same sequence; the position shown is the placement nearest the transcript's 3' end. VCF-style (leftmost placement, unchanged base first): chrX-148958364-GAGA-G. GRCh37 (hg19) VCF-style: chrX-148039894-GAGA-G.
Other names: c.2500AAG[1], p.Lys835del (NM_001169122.2); c.2569AAG[1], p.Lys858del (NM_001169123.2); c.2494AAG[1], p.Lys833del (NM_001169124.2); c.2482AAG[1], p.Lys829del (NM_001169125.2); c.1522AAG[1], p.Lys509del (NM_001170628.1); short protein forms K509del, K829del, K833del, K835del, K858del, K868del.
Identifiers: ClinVar variation 3900372 (VCV003900372.1).